The following is an entry in ClinVar:

NC_000017.10:g.(?_19564430)_(19566822_?)del

Gene: ALDH3A2 (aldehyde dehydrogenase 3 family member A2; plus strand). Cytogenetic location: 17p11.2.
Variant type: Deletion.
Identifiers: ClinVar variation 1371896 (VCV001371896.3).

ClinVar aggregate classification (germline): Pathogenic (1 of 4 stars; one submission).

Submission:

Labcorp Genetics (formerly Invitae), Labcorp
Classification: Pathogenic. Last evaluated: 2021-08-01. Review status: criteria provided, single submitter. Criteria: Invitae Variant Classification Sherloc (09022015). Collection method: clinical testing. Allele origin: germline.
Comment: This variant is a gross deletion of the genomic region encompassing exon(s) 6-7 of the ALDH3A2 gene. This variant would be expected to be in-frame, preserving the integrity of the reading frame. This variant has not been reported in the literature in individuals affected with ALDH3A2-related conditions. This variant disrupts a region of the ALDH3A2 protein in which other variant(s) (p.Tyr279Asnv) have been determined to be pathogenic (PMID: 10577908, 10854114, 24101836). This suggests that this is a clinically significant region of the protein, and that variants that disrupt it are likely to be disease-causing. For these reasons, this variant has been classified as Pathogenic.

Literature cited by the submitters: PubMed 10577908; PubMed 10854114; PubMed 24101836.